The following is an entry in ClinVar:

NM_000264.5(PTCH1):c.1321C>T (p.Arg441Cys)

Gene: PTCH1 (patched 1; minus strand). Cytogenetic location: 9q22.32.
Variant type: single nucleotide variant.
Coding change: c.1321C>T on transcript NM_000264.5 (MANE Select); coding-DNA position 1321, C replaced by T.
Protein change: p.Arg441Cys; replaces arginine 441 with cysteine.
Molecular consequence: missense variant. On other transcripts: non-coding transcript variant (1).
Genome position (GRCh38, 1-based): chr9:95,478,081, G>A on the plus strand (C>T on the coding strand, the complement: PTCH1 is on the minus strand). VCF-style: chr9-95478081-G-A. GRCh37 (hg19) VCF-style: chr9-98240363-G-A.
Other names: c.1123C>T, p.Arg375Cys (NM_001083602.3); c.1318C>T, p.Arg440Cys (NM_001083603.3); c.868C>T, p.Arg290Cys (NM_001083604.3, NM_001083605.3, NM_001083606.3 and 1 more transcripts); c.1321C>T, p.Arg441Cys (NM_001354918.2); short protein forms R290C, R375C, R440C, R441C.
Identifiers: ClinVar variation 1769915 (VCV001769915.7), dbSNP rs2118330810, ClinGen allele CA374118749.

ClinVar aggregate classification (germline): Uncertain significance. Review status: criteria provided, multiple submitters, no conflicts (2 of 4 stars). 3 submissions from 3 submitters: Uncertain significance (3). Last evaluated 2025-09-09.

Conditions:
Hereditary cancer-predisposing syndrome. Also called: Hereditary Cancer Syndrome; Hereditary neoplastic syndrome; Neoplastic Syndromes, Hereditary; Tumor predisposition. Identifiers: Orphanet 140162, MedGen C0027672, MeSH D009386, MONDO:0015356.
Gorlin syndrome. Also called: Nevoid Basal Cell Carcinoma Syndrome; Basal cell nevus syndrome. Identifiers: Orphanet 377, MedGen C0004779, MONDO:0007187.

Allele frequency attached by ClinVar (database versions not stated): gnomAD exomes below 0.00001.

Submissions (3):

Ambry Genetics
Classification: Uncertain significance for Hereditary cancer-predisposing syndrome. Last evaluated: 2025-09-09. Review status: criteria provided, single submitter. Criteria: Ambry Variant Classification Scheme 2023. Collection method: clinical testing. Allele origin: germline.
Comment: The p.R441C variant (also known as c.1321C>T), located in coding exon 9 of the PTCH1 gene, results from a C to T substitution at nucleotide position 1321. The arginine at codon 441 is replaced by cysteine, an amino acid with highly dissimilar properties. This amino acid position is highly conserved in available vertebrate species. In addition, this alteration is predicted to be deleterious by in silico analysis. Based on the available evidence, the clinical significance of this variant remains unclear.

Labcorp Genetics (formerly Invitae), Labcorp
Classification: Uncertain significance for Gorlin syndrome. Last evaluated: 2022-11-17. Review status: criteria provided, single submitter. Criteria: Invitae Variant Classification Sherloc (09022015). Collection method: clinical testing. Allele origin: germline.
Comment: In summary, the available evidence is currently insufficient to determine the role of this variant in disease. Therefore, it has been classified as a Variant of Uncertain Significance. Advanced modeling of protein sequence and biophysical properties (such as structural, functional, and spatial information, amino acid conservation, physicochemical variation, residue mobility, and thermodynamic stability) has been performed at Invitae for this missense variant, however the output from this modeling did not meet the statistical confidence thresholds required to predict the impact of this variant on PTCH1 protein function. This variant has not been reported in the literature in individuals affected with PTCH1-related conditions. This variant is not present in population databases (gnomAD no frequency). This sequence change replaces arginine, which is basic and polar, with cysteine, which is neutral and slightly polar, at codon 441 of the PTCH1 protein (p.Arg441Cys).

Blueprint Genetics
Classification: Uncertain significance. Last evaluated: 2019-12-19. Review status: criteria provided, single submitter. Criteria: ACMG Guidelines, 2015. Collection method: clinical testing. Allele origin: germline.